The following is an entry in ClinVar:

NM_024809.5(TCTN2):c.1477G>A (p.Gly493Arg)

Gene: TCTN2 (tectonic family member 2; plus strand). Cytogenetic location: 12q24.31.
Variant type: single nucleotide variant.
Coding change: c.1477G>A on transcript NM_024809.5 (MANE Select); coding-DNA position 1477, G replaced by A.
Protein change: p.Gly493Arg; replaces glycine 493 with arginine.
Molecular consequence: missense variant.
Genome position (GRCh38, 1-based): chr12:123,697,170, G>A. VCF-style: chr12-123697170-G-A. GRCh37 (hg19) VCF-style: chr12-124181717-G-A.
Other names: c.1474G>A, p.Gly492Arg (NM_001143850.3); short protein forms G493R, G492R.
Identifiers: ClinVar variation 1432869 (VCV001432869.7), dbSNP rs375717971, ClinGen allele CA6861225.

ClinVar aggregate classification (germline): Uncertain significance. Review status: criteria provided, multiple submitters, no conflicts (2 of 4 stars). 2 submissions from 2 submitters: Uncertain significance (2). Last evaluated 2024-03-29.

Conditions:
Joubert syndrome. Also called: CEREBELLOPARENCHYMAL DISORDER IV; JOUBERT-BOLTSHAUSER SYNDROME; Familial aplasia of the vermis. Identifiers: Orphanet 475, MedGen C5979921, MONDO:0018772.
Meckel-Gruber syndrome. Also called: DYSENCEPHALIA SPLANCHNOCYSTICA; GRUBER SYNDROME; Dysencephalia splachnocystica. Identifiers: Orphanet 564, MedGen C0265215, MONDO:0018921.
Joubert syndrome 24 (JBTS24). Identifiers: Orphanet 475, MedGen C4084841, MONDO:0014724, OMIM 616654.
Meckel syndrome, type 8. Identifiers: Orphanet 564, MedGen C3836857, MONDO:0013482, OMIM 613885.

Allele frequency attached by ClinVar (database versions not stated): gnomAD 0.00001; gnomAD exomes 0.00001 and 0.00006; ExAC 0.00002; TOPMed 0.00002; ESP Exome Variant Server 0.00008.
gnomAD v4.1: 90 of 1,613,760 alleles (0.0056%); highest among the groups gnomAD compares: Non-Finnish European, 0.0073%; no homozygotes.

Submissions (3):

Fulgent Genetics
Classification: Uncertain significance for Meckel syndrome, type 8; Joubert syndrome 24. Last evaluated: 2024-03-29. Review status: criteria provided, single submitter. Criteria: ACMG Guidelines, 2015. Collection method: clinical testing. Allele origin: germline.

Labcorp Genetics (formerly Invitae), Labcorp
Classification: Uncertain significance for Joubert syndrome; Meckel-Gruber syndrome. Last evaluated: 2021-09-01. Review status: criteria provided, single submitter. Criteria: Invitae Variant Classification Sherloc (09022015). Collection method: clinical testing. Allele origin: germline.
Comment: This sequence change replaces glycine with arginine at codon 493 of the TCTN2 protein (p.Gly493Arg). The glycine residue is moderately conserved and there is a moderate physicochemical difference between glycine and arginine. This variant is present in population databases (rs375717971, ExAC 0.006%). This variant has not been reported in the literature in individuals affected with TCTN2-related conditions. Algorithms developed to predict the effect of missense changes on protein structure and function output the following: SIFT: "Tolerated"; PolyPhen-2: "Benign"; Align-GVGD: "Class C0". The arginine amino acid residue is found in multiple mammalian species, which suggests that this missense change does not adversely affect protein function. In summary, the available evidence is currently insufficient to determine the role of this variant in disease. Therefore, it has been classified as a Variant of Uncertain Significance.

Dr. Peter K. Rogan Lab, Western University
No classification provided (evidence only). Condition: Thyroid cancer, nonmedullary, 1. Review status: no classification provided. Collection method: in vitro. Allele origin: not applicable. Functional consequence: retained intron. Not counted in ClinVar's aggregate classification.